The following is an entry in ClinVar:

ClinVar aggregate classification (germline): Uncertain significance (1 of 4 stars; one submission).

Submission:

Labcorp Genetics (formerly Invitae), Labcorp
Classification: Uncertain significance. Last evaluated: 2022-09-13. Review status: criteria provided, single submitter. Criteria: Invitae Variant Classification Sherloc (09022015). Collection method: clinical testing. Allele origin: germline.
Comment: In summary, the available evidence is currently insufficient to determine the role of this variant in disease. Therefore, it has been classified as a Variant of Uncertain Significance. Experimental studies and prediction algorithms are not available or were not evaluated, and the functional significance of this variant is currently unknown. This variant has not been reported in the literature in individuals affected with GNPTG-related conditions. This variant is not present in population databases (gnomAD no frequency). This sequence change creates a premature translational stop signal (p.Tyr270Leufs*29) in the GNPTG gene. While this is not anticipated to result in nonsense mediated decay, it is expected to disrupt the last 36 amino acid(s) of the GNPTG protein.

NM_032520.5(GNPTG):c.807dup (p.Tyr270fs)

Gene: GNPTG (N-acetylglucosamine-1-phosphate transferase subunit gamma; plus strand). Cytogenetic location: 16p13.3.
Variant type: Duplication.
Coding change: c.807dup on transcript NM_032520.5 (MANE Select); coding-DNA position 807, one base duplicated (C; older notation c.807dupC).
Protein change: p.Tyr270fs; shifts the reading frame from tyrosine 270.
Molecular consequence: frameshift variant.
Genome position (GRCh38, 1-based): chr16:1,362,890, C duplicated; the last of 4 consecutive C bases (chr16:1,362,887-1,362,890); duplicating any one gives the same sequence. VCF-style (leftmost placement, unchanged base first): chr16-1362886-T-TC. GRCh37 (hg19) VCF-style: chr16-1412887-T-TC.
Other names: short protein forms Y270fs.
Identifiers: ClinVar variation 2008064 (VCV002008064.4), dbSNP rs1376540576, ClinGen allele CA718229983.